The following is an entry in ClinVar:

NM_016148.5(SHANK1):c.2990ACC[2] (p.His999del)

Gene: SHANK1 (SH3 and multiple ankyrin repeat domains 1; minus strand). Cytogenetic location: 19q13.33.
Variant type: Microsatellite.
Coding change: c.2990ACC[2] on transcript NM_016148.5 (MANE Select); two copies in a row of the 3-base unit ACC starting at c.2990; the reference has three copies in a row; one copy, 3 bases deleted.
Protein change: p.His999del; deletes histidine 999.
Molecular consequence: inframe deletion.
Genome position (GRCh38, 1-based): chr19:50,668,962-50,668,964, GGT deleted on the plus strand (ACC on the coding strand, the reverse complement: SHANK1 is on the minus strand); deleting any 3 consecutive bases within chr19:50,668,962-50,668,972 gives the same sequence; the position shown is the placement nearest the transcript's 3' end. VCF-style (leftmost placement, unchanged base first): chr19-50668961-GGGT-G. GRCh37 (hg19) VCF-style: chr19-51172218-GGGT-G.
Other names: short protein forms H999del.
Identifiers: ClinVar variation 2290914 (VCV002290914.2), dbSNP rs1237980925, ClinGen allele CA633898669.

ClinVar aggregate classification (germline): Uncertain significance (1 of 4 stars; one submission).

Conditions:
Inborn genetic diseases. Identifiers: MedGen C0950123, MeSH D030342.

Submission:

Ambry Genetics
Classification: Uncertain significance for Inborn genetic diseases. Last evaluated: 2022-06-27. Review status: criteria provided, single submitter. Criteria: Ambry Variant Classification Scheme 2023. Collection method: clinical testing. Allele origin: germline.
Comment: The c.2996_2998delACC (p.H999del) alteration is located in exon 22 (coding exon 22) of the SHANK1 gene. This alteration consists of an in-frame deletion of 3 nucleotides between nucleotide positions c.2996 and c.2998, resulting in the deletion of <NA> residues. Based on insufficient or conflicting evidence, the clinical significance of this alteration remains unclear.